The following is an entry in ClinVar:

NM_004304.5(ALK):c.1913-1G>A

Gene: ALK (ALK receptor tyrosine kinase; minus strand). Cytogenetic location: 2p23.2.
Variant type: single nucleotide variant.
Coding change: c.1913-1G>A on transcript NM_004304.5 (MANE Select); the canonical splice acceptor site of the intron before coding-DNA position 1913, G replaced by A.
Molecular consequence: splice acceptor variant.
Genome position (GRCh38, 1-based): chr2:29,275,228, C>T on the plus strand (G>A on the coding strand, the complement: ALK is on the minus strand). VCF-style: chr2-29275228-C-T. GRCh37 (hg19) VCF-style: chr2-29498094-C-T.
Identifiers: ClinVar variation 4272281 (VCV004272281.1).
Genomic context (GRCh38, chr2:29,275,228, plus strand): 5'-TCTCAAACAGGTTTCTTGATTTGGGTGCTGTATTCTGCAGGATCTTGTCCTCTCCGCTAA[C>T]TGCAATAGAGAAGACCCCACGGGCTGAGTTAGGTGAGGGTTGATTTCAGGGTGAGAGATG-3'

ClinVar aggregate classification (germline): Uncertain significance (1 of 4 stars; one submission).

Conditions:
Hereditary cancer-predisposing syndrome. Also called: Hereditary Cancer Syndrome; Hereditary neoplastic syndrome; Neoplastic Syndromes, Hereditary; Tumor predisposition. Identifiers: Orphanet 140162, MedGen C0027672, MeSH D009386, MONDO:0015356.

Submission:

Ambry Genetics
Classification: Uncertain significance for Hereditary cancer-predisposing syndrome. Last evaluated: 2025-06-26. Review status: criteria provided, single submitter. Criteria: Ambry Variant Classification Scheme 2023. Collection method: clinical testing. Allele origin: germline.
Comment: The c.1913-1G>A intronic variant results from a G to A substitution one nucleotide upstream from coding exon 11 of the ALK gene. Alterations that disrupt the canonical splice site are expected to result in aberrant splicing. In silico splice site analysis predicts that this alteration will weaken the native splice acceptor site and will result in the creation or strengthening of a novel splice acceptor site. A resulting transcript is predicted to be in-frame and is not expected to trigger nonsense-mediated mRNAdecay; although, direct evidence is unavailable. This nucleotide position is highly conserved in available vertebrate species. Based on the available evidence, the clinical significance of this variant remains unclear.